The following is an entry in ClinVar:

NM_004525.3(LRP2):c.8744G>T (p.Gly2915Val)

Gene: LRP2 (LDL receptor related protein 2; minus strand). Cytogenetic location: 2q31.1.
Variant type: single nucleotide variant.
Coding change: c.8744G>T on transcript NM_004525.3 (MANE Select); coding-DNA position 8744, G replaced by T.
Protein change: p.Gly2915Val; replaces glycine 2915 with valine.
Molecular consequence: missense variant.
Genome position (GRCh38, 1-based): chr2:169,193,847, C>A on the plus strand (G>T on the coding strand, the complement: LRP2 is on the minus strand). VCF-style: chr2-169193847-C-A. GRCh37 (hg19) VCF-style: chr2-170050357-C-A.
Other names: p.Gly2915Val; short protein forms G2915V.
Identifiers: ClinVar variation 1922222 (VCV001922222.3), dbSNP rs911864785, ClinGen allele CA59923664.

ClinVar aggregate classification (germline): Uncertain significance. Review status: criteria provided, multiple submitters, no conflicts (2 of 4 stars). 2 submissions from 2 submitters: Uncertain significance (2). Last evaluated 2025-05-15.

gnomAD v4.1: 18 of 1,614,038 alleles (0.0011%); highest among the groups gnomAD compares: East Asian, 0.0022%; no homozygotes.

Submissions (2):

Mayo Clinic Laboratories, Mayo Clinic
Classification: Uncertain significance. Last evaluated: 2025-05-15. Review status: criteria provided, single submitter. Criteria: ACMG Guidelines, 2015. Collection method: clinical testing. Allele origin: germline. Observed: 1 variant allele.
Comment: PM2_supporting

Labcorp Genetics (formerly Invitae), Labcorp
Classification: Uncertain significance. Last evaluated: 2022-10-28. Review status: criteria provided, single submitter. Criteria: Invitae Variant Classification Sherloc (09022015). Collection method: clinical testing. Allele origin: germline.
Comment: This sequence change replaces glycine, which is neutral and non-polar, with valine, which is neutral and non-polar, at codon 2915 of the LRP2 protein (p.Gly2915Val). This variant is present in population databases (no rsID available, gnomAD 0.007%). This variant has not been reported in the literature in individuals affected with LRP2-related conditions. Advanced modeling of protein sequence and biophysical properties (such as structural, functional, and spatial information, amino acid conservation, physicochemical variation, residue mobility, and thermodynamic stability) performed at Invitae indicates that this missense variant is not expected to disrupt LRP2 protein function. In summary, the available evidence is currently insufficient to determine the role of this variant in disease. Therefore, it has been classified as a Variant of Uncertain Significance.